The following is an entry in ClinVar:

ClinVar aggregate classification (germline): Likely benign (1 of 4 stars; one submission).

Submission:

CeGaT Center for Human Genetics Tuebingen
Classification: Likely benign. Last evaluated: 2025-03-01. Review status: criteria provided, single submitter. Criteria: CeGaT Center For Human Genetics Tuebingen Variant Classification Criteria Version 2. Collection method: clinical testing. Allele origin: germline. Affected: yes. Observed: 1 variant allele.
Comment: MUC5AC: PM2:Supporting, BP4, BP7

NM_001304359.2(MUC5AC):c.13749C>A (p.Thr4583=)

Gene: MUC5AC (mucin 5AC, oligomeric mucus/gel-forming; plus strand). Cytogenetic location: 11p15.5.
Variant type: single nucleotide variant.
Coding change: c.13749C>A on transcript NM_001304359.2 (MANE Select); coding-DNA position 13749, C replaced by A.
Protein change: p.Thr4583=; no amino-acid change (threonine 4583 retained).
Molecular consequence: synonymous variant.
Genome position (GRCh38, 1-based): chr11:1,191,894, C>A. VCF-style: chr11-1191894-C-A. GRCh37 (hg19) VCF-style: chr11-1213119-C-A.
Identifiers: ClinVar variation 3778077 (VCV003778077.7).